The following is an entry in ClinVar:

NM_000285.4(PEPD):c.184G>A (p.Gly62Arg)

Gene: PEPD (peptidase D; minus strand). Cytogenetic location: 19q13.11.
Variant type: single nucleotide variant.
Coding change: c.184G>A on transcript NM_000285.4 (MANE Select); coding-DNA position 184, G replaced by A.
Protein change: p.Gly62Arg; replaces glycine 62 with arginine.
Molecular consequence: missense variant.
Genome position (GRCh38, 1-based): chr19:33,512,610, C>T on the plus strand (G>A on the coding strand, the complement: PEPD is on the minus strand). VCF-style: chr19-33512610-C-T. GRCh37 (hg19) VCF-style: chr19-34003516-C-T.
Other names: c.184G>A, p.Gly62Arg (NM_001166056.2, NM_001166057.2); short protein forms G62R.
Identifiers: ClinVar variation 2203440 (VCV002203440.2), dbSNP rs748037244, ClinGen allele CA9364472.

ClinVar aggregate classification (germline): Uncertain significance. Review status: criteria provided, multiple submitters, no conflicts (2 of 4 stars). 2 submissions from 2 submitters: Uncertain significance (2). Last evaluated 2024-05-20.

Conditions:
Inborn genetic diseases. Identifiers: MedGen C0950123, MeSH D030342.

Allele frequency attached by ClinVar (database versions not stated): gnomAD 0.00001; TOPMed 0.00002; ExAC 0.00003; gnomAD exomes 0.00004.
gnomAD v4.1: 54 of 1,613,670 alleles (0.0033%); highest among the groups gnomAD compares: South Asian, 0.0044%; no homozygotes.

Submissions (2):

Ambry Genetics
Classification: Uncertain significance for Inborn genetic diseases. Last evaluated: 2024-05-20. Review status: criteria provided, single submitter. Criteria: Ambry Variant Classification Scheme 2023. Collection method: clinical testing. Allele origin: germline.

Labcorp Genetics (formerly Invitae), Labcorp
Classification: Uncertain significance. Last evaluated: 2022-08-13. Review status: criteria provided, single submitter. Criteria: Invitae Variant Classification Sherloc (09022015). Collection method: clinical testing. Allele origin: germline.
Comment: This sequence change replaces glycine, which is neutral and non-polar, with arginine, which is basic and polar, at codon 62 of the PEPD protein (p.Gly62Arg). The frequency data for this variant in the population databases is considered unreliable, as metrics indicate poor data quality at this position in the gnomAD database. This variant has not been reported in the literature in individuals affected with PEPD-related conditions. Algorithms developed to predict the effect of missense changes on protein structure and function (SIFT, PolyPhen-2, Align-GVGD) all suggest that this variant is likely to be tolerated. Algorithms developed to predict the effect of sequence changes on RNA splicing suggest that this variant may create or strengthen a splice site. In summary, the available evidence is currently insufficient to determine the role of this variant in disease. Therefore, it has been classified as a Variant of Uncertain Significance.